The following is an entry in ClinVar:

NM_001042492.3(NF1):c.1373C>A (p.Pro458Gln)

Gene: NF1 (neurofibromin 1; plus strand). Cytogenetic location: 17q11.2.
Variant type: single nucleotide variant.
Coding change: c.1373C>A on transcript NM_001042492.3 (MANE Select); coding-DNA position 1373, C replaced by A.
Protein change: p.Pro458Gln; replaces proline 458 with glutamine.
Molecular consequence: missense variant.
Genome position (GRCh38, 1-based): chr17:31,206,352, C>A. VCF-style: chr17-31206352-C-A. GRCh37 (hg19) VCF-style: chr17-29533370-C-A.
Other names: c.1373C>A, p.Pro458Gln (NM_000267.4, NM_001128147.3); short protein forms P458Q.
Identifiers: ClinVar variation 819038 (VCV000819038.10), dbSNP rs781555047, ClinGen allele CA8485757.

ClinVar aggregate classification (germline): Uncertain significance. Review status: criteria provided, multiple submitters, no conflicts (2 of 4 stars). 2 submissions from 2 submitters: Uncertain significance (2). Last evaluated 2025-05-18.

Conditions:
Hereditary cancer-predisposing syndrome. Also called: Hereditary Cancer Syndrome; Neoplastic Syndromes, Hereditary; Hereditary neoplastic syndrome; Tumor predisposition. Identifiers: Orphanet 140162, MedGen C0027672, MeSH D009386, MONDO:0015356.
Cardiovascular phenotype. Identifiers: MedGen CN230736.
Neurofibromatosis, type 1 (NF1). Also called: Peripheral type neurofibromatosis; Neurofibromatosis, type I; NEUROFIBROMATOSIS, TYPE I, SOMATIC; VON RECKLINGHAUSEN DISEASE. Identifiers: Orphanet 636, MedGen C0027831, MONDO:0018975, OMIM 162200. Disease mechanism: loss of function.

Allele frequency attached by ClinVar (database versions not stated): gnomAD exomes below 0.00001; TOPMed below 0.00001; ExAC 0.00001.

Submissions (2):

Labcorp Genetics (formerly Invitae), Labcorp
Classification: Uncertain significance for Neurofibromatosis, type 1. Last evaluated: 2025-05-18. Review status: criteria provided, single submitter. Criteria: Invitae Variant Classification Sherloc (09022015). Collection method: clinical testing. Allele origin: germline.
Comment: This sequence change replaces proline, which is neutral and non-polar, with glutamine, which is neutral and polar, at codon 458 of the NF1 protein (p.Pro458Gln). This variant is present in population databases (rs781555047, gnomAD 0.006%). This variant has not been reported in the literature in individuals affected with NF1-related conditions. ClinVar contains an entry for this variant (Variation ID: 819038). Invitae Evidence Modeling of protein sequence and biophysical properties (such as structural, functional, and spatial information, amino acid conservation, physicochemical variation, residue mobility, and thermodynamic stability) indicates that this missense variant is not expected to disrupt NF1 protein function with a negative predictive value of 95%. In summary, the available evidence is currently insufficient to determine the role of this variant in disease. Therefore, it has been classified as a Variant of Uncertain Significance.

Ambry Genetics
Classification: Uncertain significance for Cardiovascular phenotype; Hereditary cancer-predisposing syndrome. Last evaluated: 2025-01-16. Review status: criteria provided, single submitter. Criteria: Ambry Variant Classification Scheme 2023. Collection method: clinical testing. Allele origin: germline.
Comment: The p.P458Q variant (also known as c.1373C>A), located in coding exon 12 of the NF1 gene, results from a C to A substitution at nucleotide position 1373. The proline at codon 458 is replaced by glutamine, an amino acid with similar properties. This amino acid position is not well conserved in available vertebrate species. In addition, this alteration is predicted to be tolerated by in silico analysis. Based on the available evidence, the clinical significance of this variant remains unclear.